The following is an entry in ClinVar:

NM_006757.4(TNNT3):c.682-717G>C

Gene: TNNT3 (troponin T3, fast skeletal type; plus strand). Cytogenetic location: 11p15.5.
Variant type: single nucleotide variant.
Coding change: c.682-717G>C on transcript NM_006757.4 (MANE Select); 717 bases into the intron before coding-DNA position 682, G replaced by C.
Molecular consequence: intron variant. On other transcripts: synonymous variant (2).
Genome position (GRCh38, 1-based): chr11:1,936,246, G>C. VCF-style: chr11-1936246-G-C. GRCh37 (hg19) VCF-style: chr11-1957476-G-C.
Other names: c.690G>C, p.Leu230= (NM_001042780.3); c.708G>C, p.Leu236= (NM_001367843.1); c.658-717G>C (NM_001297646.2, NM_001042782.3, NM_001367845.1 and 1 more transcripts); c.715-717G>C (NM_001367846.1); c.691-717G>C (NM_001363561.2, NM_001367847.1); c.676-717G>C (NM_001042781.3, NM_001367842.1); c.679-717G>C (NM_001367848.1); c.625-717G>C (NM_001367850.1); and 2 more.
Identifiers: ClinVar variation 3053986 (VCV003053986.2), dbSNP rs2494989411, ClinGen allele CA2740093586.
Genomic context (GRCh38, chr11:1,936,246, plus strand): 5'-AGCCTTGTAACCATCTTGGTCTTTCTAGATCATGAATGTCCGGGCCAGAGTGCAGATGCT[G>C]GCCAAGTTGTAAGTAGCCGGGTCCGCCCTGGGCCAGGCCCGTGGGTGTGCGTTGCACGGT-3'

ClinVar aggregate classification (germline): Likely benign (0 of 4 stars; one submission).

Conditions:
TNNT3-related disorder. Also called: TNNT3-related condition.

Submission:

PreventionGenetics, part of Exact Sciences
Classification: Likely benign for TNNT3-related condition. Last evaluated: 2020-05-11. Review status: no assertion criteria provided. Collection method: clinical testing. Allele origin: germline.
Comment: This variant is classified as likely benign based on ACMG/AMP sequence variant interpretation guidelines (Richards et al. 2015 PMID: 25741868, with internal and published modifications).